The following is an entry in ClinVar:

ClinVar aggregate classification (germline): Likely pathogenic (1 of 4 stars; one submission).

Conditions:
SIM1-related disorder. Also called: SIM1-related disorders; SIM1-related condition.

Submission:

PreventionGenetics, part of Exact Sciences
Classification: Likely pathogenic for SIM1-related condition. Last evaluated: 2024-10-03. Review status: criteria provided, single submitter. Criteria: ACMG Guidelines, 2015. Collection method: clinical testing. Allele origin: germline.
Comment: The SIM1 c.232C>T variant is predicted to result in premature protein termination (p.Arg78*). To our knowledge, this variant has not been reported in the literature or in a large population database, indicating this variant is rare. Nonsense variants in SIM1 are expected to be pathogenic. This variant is interpreted as likely pathogenic.

NM_005068.3(SIM1):c.232C>T (p.Arg78Ter)

Gene: SIM1 (SIM bHLH transcription factor 1; minus strand). Cytogenetic location: 6q16.3.
Variant type: single nucleotide variant.
Coding change: c.232C>T on transcript NM_005068.3 (MANE Select); coding-DNA position 232, C replaced by T.
Protein change: p.Arg78Ter; replaces arginine 78 with a stop codon.
Molecular consequence: nonsense.
Genome position (GRCh38, 1-based): chr6:100,453,788, G>A on the plus strand (C>T on the coding strand, the complement: SIM1 is on the minus strand). VCF-style: chr6-100453788-G-A. GRCh37 (hg19) VCF-style: chr6-100901664-G-A.
Other names: c.232C>T, p.Arg78Ter (NM_001374769.1); short protein forms R78*.
Identifiers: ClinVar variation 4998069 (VCV004998069.1).
Genomic context (GRCh38, chr6:100,453,788, plus strand): 5'-AGCTTATGTGTTGCCGGAAGACCTGCACCTGTACCTGGAGCAGATGGGAGCCCAGTTCTC[G>A]GCCAACGTTGTCCAGGGGGCTGGTCCGACTTGAGTGGCCCCACGCCTCGCCGAGCCCTGT-3'